The following is an entry in ClinVar:

ClinVar aggregate classification (germline): Uncertain significance. Review status: criteria provided, multiple submitters, no conflicts (2 of 4 stars). 2 submissions from 2 submitters: Uncertain significance (2). Last evaluated 2026-04-22.

Conditions:
Niemann-Pick disease, type C1. Also called: NEUROVISCERAL STORAGE DISEASE WITH VERTICAL SUPRANUCLEAR OPHTHALMOPLEGIA; NIEMANN-PICK DISEASE WITH CHOLESTEROL ESTERIFICATION BLOCK; NIEMANN-PICK DISEASE WITHOUT SPHINGOMYELINASE DEFICIENCY; NIEMANN-PICK DISEASE, CHRONIC NEURONOPATHIC FORM; NIEMANN-PICK DISEASE, VARIANT TYPE C1. Identifiers: Orphanet 646, MedGen C3179455, MONDO:0009757, OMIM 257220.

Submissions (2):

Myriad Genetics, Inc.
Classification: Uncertain significance for Niemann-Pick disease, type C1. Last evaluated: 2026-04-22. Review status: criteria provided, single submitter. Criteria: Myriad Autosomal Dominant, Autosomal Recessive and X-Linked Classification Criteria (2023). Collection method: clinical testing. Allele origin: unknown.
Comment: NM_000271.4(NPC1):c.1361C>T(T454I) is a missense variant classified as a variant of uncertain significance in the context of Niemann-Pick disease type C1. T454I has not been observed in cases with relevant disease. Relevant functional assessments of this variant are not available in the literature. T454I has not been observed in referenced population frequency databases. In summary, there is insufficient evidence to classify NM_000271.4(NPC1):c.1361C>T(T454I) as pathogenic or benign. Please note: this variant was assessed in the context of healthy population screening.

Labcorp Genetics (formerly Invitae), Labcorp
Classification: Uncertain significance for Niemann-Pick disease, type C1. Last evaluated: 2024-05-15. Review status: criteria provided, single submitter. Criteria: Invitae Variant Classification Sherloc (09022015). Collection method: clinical testing. Allele origin: germline.
Comment: This sequence change replaces threonine, which is neutral and polar, with isoleucine, which is neutral and non-polar, at codon 454 of the NPC1 protein (p.Thr454Ile). This variant is not present in population databases (gnomAD no frequency). This variant has not been reported in the literature in individuals affected with NPC1-related conditions. ClinVar contains an entry for this variant (Variation ID: 1929518). Advanced modeling of protein sequence and biophysical properties (such as structural, functional, and spatial information, amino acid conservation, physicochemical variation, residue mobility, and thermodynamic stability) performed at Invitae indicates that this missense variant is not expected to disrupt NPC1 protein function with a negative predictive value of 95%. In summary, the available evidence is currently insufficient to determine the role of this variant in disease. Therefore, it has been classified as a Variant of Uncertain Significance.

NM_000271.5(NPC1):c.1361C>T (p.Thr454Ile)

Gene: NPC1 (NPC intracellular cholesterol transporter 1; minus strand). Cytogenetic location: 18q11.2.
Variant type: single nucleotide variant.
Coding change: c.1361C>T on transcript NM_000271.5 (MANE Select); coding-DNA position 1361, C replaced by T.
Protein change: p.Thr454Ile; replaces threonine 454 with isoleucine.
Molecular consequence: missense variant.
Genome position (GRCh38, 1-based): chr18:23,554,950, G>A on the plus strand (C>T on the coding strand, the complement: NPC1 is on the minus strand). VCF-style: chr18-23554950-G-A. GRCh37 (hg19) VCF-style: chr18-21134914-G-A.
Other names: short protein forms T454I.
Identifiers: ClinVar variation 1929518 (VCV001929518.5), dbSNP rs2511276971, ClinGen allele CA401776569.
Genomic context (GRCh38, chr18:23,554,950, plus strand): 5'-GGTGAAAGAGGGGCCAAGCAGATGTCTTGAAGTGTCACAGTCTCATTGTCATAAGAGGCA[G>A]TAATGTTTTCGATGGCTATTTGTAAGTCAAGAACCTGAAAGAAGATTTTAAAAATAAGCA-3'
Protein context (NP_000262.2, residues 444-464): LDLQIAIENI[Thr454Ile]ASYDNETVTL